The following is an entry in ClinVar:

ClinVar aggregate classification (germline): Uncertain significance (1 of 4 stars; one submission).

Conditions:
Glycogen storage disease type III (GSD3). Also called: Cori disease; FORBES DISEASE. Identifiers: Orphanet 366, MedGen C0017922, MONDO:0009291, OMIM 232400.

Allele frequency attached by ClinVar (database versions not stated): TOPMed below 0.00001; gnomAD 0.00001.
gnomAD v4.1: 1 of 1,611,554 alleles (0.000062%); highest among the groups gnomAD compares: African/African-American, 0.0013%; no homozygotes.

Submission:

Labcorp Genetics (formerly Invitae), Labcorp
Classification: Uncertain significance for Glycogen storage disease type III. Last evaluated: 2021-11-03. Review status: criteria provided, single submitter. Criteria: Invitae Variant Classification Sherloc (09022015). Collection method: clinical testing. Allele origin: germline.
Comment: In summary, the available evidence is currently insufficient to determine the role of this variant in disease. Therefore, it has been classified as a Variant of Uncertain Significance. Algorithms developed to predict the effect of missense changes on protein structure and function output the following: SIFT: "Tolerated"; PolyPhen-2: "Benign"; Align-GVGD: "Class C0". The isoleucine amino acid residue is found in multiple mammalian species, which suggests that this missense change does not adversely affect protein function. This variant has not been reported in the literature in individuals affected with AGL-related conditions. This variant is not present in population databases (gnomAD no frequency). This sequence change replaces valine, which is neutral and non-polar, with isoleucine, which is neutral and non-polar, at codon 1248 of the AGL protein (p.Val1248Ile).

NM_000642.3(AGL):c.3742G>A (p.Val1248Ile)

Gene: AGL (amylo-alpha-1,6-glucosidase and 4-alpha-glucanotransferase; plus strand). Cytogenetic location: 1p21.2.
Variant type: single nucleotide variant.
Coding change: c.3742G>A on transcript NM_000642.3 (MANE Select); coding-DNA position 3742, G replaced by A.
Protein change: p.Val1248Ile; replaces valine 1248 with isoleucine.
Molecular consequence: missense variant.
Genome position (GRCh38, 1-based): chr1:99,910,753, G>A. VCF-style: chr1-99910753-G-A. GRCh37 (hg19) VCF-style: chr1-100376309-G-A.
Other names: c.3538G>A, p.Val1180Ile (NM_001425328.1); c.3403G>A, p.Val1135Ile (NM_001425329.1); c.3364G>A, p.Val1122Ile (NM_001425332.1); c.3742G>A, p.Val1248Ile (NM_000028.3, NM_000643.3, NM_000644.3 and 1 more transcripts); c.3694G>A, p.Val1232Ile (NM_000646.3); c.3721G>A, p.Val1241Ile (NM_001425326.1); c.3541G>A, p.Val1181Ile (NM_001425327.1); short protein forms V1232I, V1248I, V1122I, V1135I, V1180I, V1181I, V1241I.
Identifiers: ClinVar variation 1499472 (VCV001499472.6), dbSNP rs1240157988, ClinGen allele CA341337540.